The following is an entry in ClinVar:

ClinVar aggregate classification (germline): Uncertain significance. Review status: criteria provided, multiple submitters, no conflicts (2 of 4 stars). 3 submissions from 3 submitters: Uncertain significance (2). 1 of the submissions does not count toward it. Last evaluated 2024-10-21.

Conditions:
Neuronal ceroid lipofuscinosis. Also called: Neuronal Ceroid Lipofuscinoses. Identifiers: Orphanet 216, Orphanet 79263, MedGen C0027877, MONDO:0016295. Disease mechanism: loss of function.
Neuronal ceroid lipofuscinosis 8 (CLN8). Also called: CLN8-Related Neuronal Ceroid-Lipofuscinosis. Identifiers: Orphanet 168491, Orphanet 228354, Orphanet 79264, MedGen C1838570, MONDO:0010830, OMIM 600143.

Allele frequency attached by ClinVar (database versions not stated): TOPMed 0.00008.
gnomAD v4.1: 20 of 1,614,046 alleles (0.0012%); highest among the groups gnomAD compares: African/African-American, 0.025%; no homozygotes.

Submissions (3):

Labcorp Genetics (formerly Invitae), Labcorp
Classification: Uncertain significance for Neuronal ceroid lipofuscinosis. Last evaluated: 2024-10-21. Review status: criteria provided, single submitter. Criteria: Invitae Variant Classification Sherloc (09022015). Collection method: clinical testing. Allele origin: germline.
Comment: This sequence change replaces aspartic acid, which is acidic and polar, with histidine, which is basic and polar, at codon 94 of the CLN8 protein (p.Asp94His). This variant is present in population databases (rs143918546, gnomAD 0.03%). This variant has not been reported in the literature in individuals affected with CLN8-related conditions. ClinVar contains an entry for this variant (Variation ID: 946509). Invitae Evidence Modeling of protein sequence and biophysical properties (such as structural, functional, and spatial information, amino acid conservation, physicochemical variation, residue mobility, and thermodynamic stability) has been performed for this missense variant. However, the output from this modeling did not meet the statistical confidence thresholds required to predict the impact of this variant on CLN8 protein function. In summary, the available evidence is currently insufficient to determine the role of this variant in disease. Therefore, it has been classified as a Variant of Uncertain Significance.

GeneDx
Classification: Uncertain significance. Last evaluated: 2024-03-09. Review status: criteria provided, single submitter. Criteria: GeneDx Variant Classification Process June 2021. Collection method: clinical testing. Allele origin: germline. Affected: yes.
Comment: In silico analysis supports that this missense variant has a deleterious effect on protein structure/function; Has not been previously published as pathogenic or benign to our knowledge

Natera, Inc.
Classification: Uncertain significance for Neuronal ceroid lipofuscinosis 8. Last evaluated: 2020-06-25. Review status: no assertion criteria provided. Collection method: clinical testing. Allele origin: germline. Not counted in ClinVar's aggregate classification.

NM_018941.4(CLN8):c.280G>C (p.Asp94His)

Gene: CLN8 (CLN8 transmembrane ER and ERGIC protein; plus strand). Cytogenetic location: 8p23.3.
Variant type: single nucleotide variant.
Coding change: c.280G>C on transcript NM_018941.4 (MANE Select); coding-DNA position 280, G replaced by C.
Protein change: p.Asp94His; replaces aspartic acid 94 with histidine.
Molecular consequence: missense variant.
Genome position (GRCh38, 1-based): chr8:1,771,334, G>C. VCF-style: chr8-1771334-G-C. GRCh37 (hg19) VCF-style: chr8-1719500-G-C.
Other names: short protein forms D94H.
Identifiers: ClinVar variation 946509 (VCV000946509.7), dbSNP rs143918546, ClinGen allele CA4599238.